The following is an entry in ClinVar:

ClinVar aggregate classification (germline): Uncertain significance (0 of 4 stars; one submission).

Conditions:
KSR2-related disorder. Also called: KSR2-related condition.

Allele frequency attached by ClinVar (database versions not stated): ExAC 0.00002; TOPMed 0.00003; gnomAD 0.00004; gnomAD exomes 0.00005; ESP Exome Variant Server 0.00008.
gnomAD v4.1: 72 of 1,554,002 alleles (0.0046%); highest among the groups gnomAD compares: Admixed American, 0.012%; no homozygotes.

Submission:

PreventionGenetics, part of Exact Sciences
Classification: Uncertain significance for KSR2-related condition. Last evaluated: 2024-03-03. Review status: no assertion criteria provided. Collection method: clinical testing. Allele origin: germline.
Comment: The KSR2 c.688C>T variant is predicted to result in the amino acid substitution p.Arg230Cys. To our knowledge, this variant has not been reported in the literature. This variant is reported in 0.0075% of alleles in individuals of Latino descent in gnomAD. At this time, the clinical significance of this variant is uncertain due to the absence of conclusive functional and genetic evidence.

NM_173598.6(KSR2):c.775C>T (p.Arg259Cys)

Gene: KSR2 (kinase suppressor of ras 2; minus strand). Cytogenetic location: 12q24.23.
Variant type: single nucleotide variant.
Coding change: c.775C>T on transcript NM_173598.6 (MANE Select); coding-DNA position 775, C replaced by T.
Protein change: p.Arg259Cys; replaces arginine 259 with cysteine.
Molecular consequence: missense variant.
Genome position (GRCh38, 1-based): chr12:117,761,222, G>A on the plus strand (C>T on the coding strand, the complement: KSR2 is on the minus strand). VCF-style: chr12-117761222-G-A. GRCh37 (hg19) VCF-style: chr12-118199027-G-A.
Other names: short protein forms R259C.
Identifiers: ClinVar variation 3036224 (VCV003036224.2), dbSNP rs369380016, ClinGen allele CA6816257.